The following is an entry in ClinVar:

NM_014714.4(IFT140):c.147+6T>C

Genes: IFT140 (intraflagellar transport 140; minus strand), LOC105371046 (uncharacterized LOC105371046; plus strand). Cytogenetic location: 16p13.3.
Variant type: single nucleotide variant.
Coding change: c.147+6T>C on transcript NM_014714.4 (MANE Select); 6 bases into the intron after coding-DNA position 147, T replaced by C.
Molecular consequence: intron variant.
Genome position (GRCh38, 1-based): chr16:1,607,114, A>G on the plus strand (T>C on the coding strand, the complement: IFT140 is on the minus strand). VCF-style: chr16-1607114-A-G. GRCh37 (hg19) VCF-style: chr16-1657115-A-G.
Identifiers: ClinVar variation 1409394 (VCV001409394.3), dbSNP rs1387119490, ClinGen allele CA620701474.

ClinVar aggregate classification (germline): Uncertain significance (1 of 4 stars; one submission).

Conditions:
Saldino-Mainzer syndrome (SRTD9). Also called: CONORENAL SYNDROME; Renal dysplasia, retinal pigmentary dystrophy, cerebellar ataxia and skeletal dysplasia; SHORT-RIB THORACIC DYSPLASIA 9 WITHOUT POLYDACTYLY; short-rib thoracic dysplasia 9 with or without polydactyly. Identifiers: Orphanet 140969, MedGen C1849437, MONDO:0009964, OMIM 266920.

Allele frequency attached by ClinVar (database versions not stated): gnomAD exomes below 0.00001 and 0.00001; gnomAD 0.00001; TOPMed 0.00001.
gnomAD v4.1: 18 of 1,613,536 alleles (0.0011%); highest among the groups gnomAD compares: Non-Finnish European, 0.0015%; no homozygotes.

Submission:

Labcorp Genetics (formerly Invitae), Labcorp
Classification: Uncertain significance for Saldino-Mainzer syndrome. Last evaluated: 2021-11-06. Review status: criteria provided, single submitter. Criteria: Invitae Variant Classification Sherloc (09022015). Collection method: clinical testing. Allele origin: germline.
Comment: This sequence change falls in intron 3 of the IFT140 gene. It does not directly change the encoded amino acid sequence of the IFT140 protein. It affects a nucleotide within the consensus splice site. This variant is present in population databases (no rsID available, gnomAD 0.0009%). This variant has not been reported in the literature in individuals affected with IFT140-related conditions. Variants that disrupt the consensus splice site are a relatively common cause of aberrant splicing (PMID: 17576681, 9536098). Algorithms developed to predict the effect of sequence changes on RNA splicing suggest that this variant may disrupt the consensus splice site. In summary, the available evidence is currently insufficient to determine the role of this variant in disease. Therefore, it has been classified as a Variant of Uncertain Significance.

Literature cited by the submitters: PubMed 17576681; PubMed 9536098.